The following is an entry in ClinVar:

NM_001330288.2(SMARCC2):c.3372T>G (p.Ala1124=)

Gene: SMARCC2 (SWI/SNF related BAF chromatin remodeling complex subunit C2; minus strand). Cytogenetic location: 12q13.2.
Variant type: single nucleotide variant.
Coding change: c.3372T>G on transcript NM_001330288.2 (MANE Select); coding-DNA position 3372, T replaced by G.
Protein change: p.Ala1124=; no amino-acid change (alanine 1124 retained).
Molecular consequence: synonymous variant. On other transcripts: intron variant (2).
Genome position (GRCh38, 1-based): chr12:56,164,592, A>C on the plus strand (T>G on the coding strand, the complement: SMARCC2 is on the minus strand). VCF-style: chr12-56164592-A-C. GRCh37 (hg19) VCF-style: chr12-56558376-A-C.
Other names: c.3279T>G, p.Ala1093= (NM_003075.5); c.3316+56T>G (NM_139067.4, NM_001130420.3).
Identifiers: ClinVar variation 3393883 (VCV003393883.2).

ClinVar aggregate classification (germline): Uncertain significance (1 of 4 stars; one submission).

Submission:

GeneDx
Classification: Uncertain significance. Last evaluated: 2025-10-17. Review status: criteria provided, single submitter. Criteria: GeneDx Variant Classification Process June 2021. Collection method: clinical testing. Allele origin: germline. Affected: yes.
Comment: Not observed at significant frequency in large population cohorts (gnomAD); In silico analysis suggests that this variant does not alter splicing; Has not been previously published as pathogenic or benign to our knowledge